The following is an entry in ClinVar:

ClinVar aggregate classification (germline): Uncertain significance (1 of 4 stars; one submission).

Conditions:
Tuberous sclerosis 2 (TSC2). Identifiers: Orphanet 805, MedGen C1860707, MONDO:0013199, OMIM 613254.

Submission:

Labcorp Genetics (formerly Invitae), Labcorp
Classification: Uncertain significance for Tuberous sclerosis 2. Last evaluated: 2025-11-24. Review status: criteria provided, single submitter. Criteria: Invitae Variant Classification Sherloc (09022015). Collection method: clinical testing. Allele origin: germline.
Comment: This sequence change falls in intron 8 of the TSC2 gene. It does not directly change the encoded amino acid sequence of the TSC2 protein. It affects a nucleotide within the consensus splice site. This variant is not present in population databases (gnomAD no frequency). This variant has not been reported in the literature in individuals affected with TSC2-related conditions. Variants that disrupt the consensus splice site are a relatively common cause of aberrant splicing (PMID: 17576681, 9536098). Algorithms developed to predict the effect of sequence changes on RNA splicing suggest that this variant is not likely to affect RNA splicing. In summary, the available evidence is currently insufficient to determine the role of this variant in disease. Therefore, it has been classified as a Variant of Uncertain Significance.

Literature cited by the submitters: PubMed 17576681; PubMed 9536098.

NM_000548.5(TSC2):c.774+6G>A

Gene: TSC2 (TSC complex subunit 2; plus strand). Cytogenetic location: 16p13.3.
Variant type: single nucleotide variant.
Coding change: c.774+6G>A on transcript NM_000548.5 (MANE Select); 6 bases into the intron after coding-DNA position 774, G replaced by A.
Molecular consequence: intron variant.
Genome position (GRCh38, 1-based): chr16:2,056,775, G>A. VCF-style: chr16-2056775-G-A. GRCh37 (hg19) VCF-style: chr16-2106776-G-A.
Other names: c.174+6G>A (NM_001406684.1, NM_001406685.1, NM_001318831.2 and 6 more transcripts); c.717+6G>A (NM_001406677.1); c.627+6G>A (NM_001406675.1, NM_001406676.1, NM_001318829.2 and 1 more transcripts); c.807+6G>A (NM_001318832.2); c.-658+6G>A (NM_001406693.1, NM_001406689.1, NM_001406690.1 and 4 more transcripts); c.864+6G>A (NM_001406667.1, NM_001406668.1); c.-834+6G>A (NM_001406698.1); c.774+6G>A (NM_001114382.3, NM_001406663.1, NM_001406664.1 and 6 more transcripts); and 4 more.
Identifiers: ClinVar variation 4799423 (VCV004799423.1).